The following is an entry in ClinVar:

NM_173551.5(ANKS6):c.446C>A (p.Thr149Asn)

Gene: ANKS6 (ankyrin repeat and sterile alpha motif domain containing 6; minus strand). Cytogenetic location: 9q22.33.
Variant type: single nucleotide variant.
Coding change: c.446C>A on transcript NM_173551.5 (MANE Select); coding-DNA position 446, C replaced by A.
Protein change: p.Thr149Asn; replaces threonine 149 with asparagine.
Molecular consequence: missense variant.
Genome position (GRCh38, 1-based): chr9:98,790,520, G>T on the plus strand (C>A on the coding strand, the complement: ANKS6 is on the minus strand). VCF-style: chr9-98790520-G-T. GRCh37 (hg19) VCF-style: chr9-101552802-G-T.
Other names: short protein forms T149N.
Identifiers: ClinVar variation 2572821 (VCV002572821.1), dbSNP rs773453306, ClinGen allele CA5153845.

ClinVar aggregate classification (germline): Uncertain significance (1 of 4 stars; one submission).

Allele frequency attached by ClinVar (database versions not stated): gnomAD 0.00002; TOPMed 0.00002.
gnomAD v4.1: 5 of 1,613,562 alleles (0.00031%); highest among the groups gnomAD compares: African/African-American, 0.0067%; no homozygotes.

Submission:

GeneDx
Classification: Uncertain significance. Last evaluated: 2023-01-12. Review status: criteria provided, single submitter. Criteria: GeneDx Variant Classification Process June 2021. Collection method: clinical testing. Allele origin: germline. Affected: yes.
Comment: In silico analysis supports that this missense variant has a deleterious effect on protein structure/function; Has not been previously published as pathogenic or benign to our knowledge